The following is an entry in ClinVar:

NM_003322.6(TULP1):c.619A>G (p.Lys207Glu)

Gene: TULP1 (TUB like protein 1; minus strand). Cytogenetic location: 6p21.31.
Variant type: single nucleotide variant.
Coding change: c.619A>G on transcript NM_003322.6 (MANE Select); coding-DNA position 619, A replaced by G.
Protein change: p.Lys207Glu; replaces lysine 207 with glutamic acid.
Molecular consequence: missense variant.
Genome position (GRCh38, 1-based): chr6:35,509,733, T>C on the plus strand (A>G on the coding strand, the complement: TULP1 is on the minus strand). VCF-style: chr6-35509733-T-C. GRCh37 (hg19) VCF-style: chr6-35477510-T-C.
Other names: c.460A>G, p.Lys154Glu (NM_001289395.2); c.619A>G (NM_003322.3, NM_003322.5); short protein forms K207E, K154E.
Identifiers: ClinVar variation 837055 (VCV000837055.11), dbSNP rs148218948, ClinGen allele CA3772856.

ClinVar aggregate classification (germline): Conflicting classifications of pathogenicity. Review status: criteria provided, conflicting classifications (1 of 4 stars). 4 submissions from 4 submitters: Uncertain significance (3); Likely benign (1). Last evaluated 2026-08-12.

Conditions:
Inborn genetic diseases. Identifiers: MedGen C0950123, MeSH D030342.
TULP1-related disorder. Also called: TULP1-related disorders; TULP1-related condition.

Allele frequency attached by ClinVar (database versions not stated): ExAC 0.00004; gnomAD 0.00007 and 0.00008; gnomAD exomes 0.00010 and 0.00018; TOPMed 0.00012; ESP Exome Variant Server 0.00023.
gnomAD v4.1: 265 of 1,613,950 alleles (0.016%); highest among the groups gnomAD compares: Non-Finnish European, 0.022%; no homozygotes.

Submissions (4):

PreventionGenetics, part of Exact Sciences
Classification: Uncertain significance for TULP1-related condition. Last evaluated: 2026-08-12. Review status: criteria provided, single submitter. Criteria: ACMG Guidelines, 2015. Collection method: clinical testing. Allele origin: germline.
Comment: The TULP1 c.619A>G variant is predicted to result in the amino acid substitution p.Lys207Glu. To our knowledge, this variant has not been reported in the literature. This variant is present in 0.021% of alleles in individuals of European (Non-Finnish) descent in gnomAD. At this time, the clinical significance of this variant is uncertain due to the absence of conclusive functional and genetic evidence.

Ambry Genetics
Classification: Uncertain significance for Inborn genetic diseases. Last evaluated: 2025-08-13. Review status: criteria provided, single submitter. Criteria: Ambry Variant Classification Scheme 2023. Collection method: clinical testing. Allele origin: germline.

Labcorp Genetics (formerly Invitae), Labcorp
Classification: Uncertain significance. Last evaluated: 2022-07-13. Review status: criteria provided, single submitter. Criteria: Invitae Variant Classification Sherloc (09022015). Collection method: clinical testing. Allele origin: germline.
Comment: This sequence change replaces lysine, which is basic and polar, with glutamic acid, which is acidic and polar, at codon 207 of the TULP1 protein (p.Lys207Glu). This variant is present in population databases (rs148218948, gnomAD 0.02%). This variant has not been reported in the literature in individuals affected with TULP1-related conditions. ClinVar contains an entry for this variant (Variation ID: 837055). Algorithms developed to predict the effect of missense changes on protein structure and function output the following: SIFT: "Not Available"; PolyPhen-2: "Benign"; Align-GVGD: "Not Available". The glutamic acid amino acid residue is found in multiple mammalian species, which suggests that this missense change does not adversely affect protein function. In summary, the available evidence is currently insufficient to determine the role of this variant in disease. Therefore, it has been classified as a Variant of Uncertain Significance.

Blueprint Genetics
Classification: Likely benign. Last evaluated: 2022-06-20. Review status: criteria provided, single submitter. Criteria: ACMG Guidelines, 2015. Collection method: clinical testing. Allele origin: germline.